The following is an entry in ClinVar:

ClinVar aggregate classification (germline): Uncertain significance. Review status: criteria provided, multiple submitters, no conflicts (2 of 4 stars). 2 submissions from 2 submitters: Uncertain significance (2). Last evaluated 2024-12-02.

gnomAD v4.1: 24 of 1,610,968 alleles (0.0015%); highest among the groups gnomAD compares: Admixed American, 0.005%; no homozygotes.

Submissions (2):

Labcorp Genetics (formerly Invitae), Labcorp
Classification: Uncertain significance. Last evaluated: 2024-12-02. Review status: criteria provided, single submitter. Criteria: Invitae Variant Classification Sherloc (09022015). Collection method: clinical testing. Allele origin: germline.
Comment: This sequence change replaces lysine, which is basic and polar, with glutamic acid, which is acidic and polar, at codon 260 of the KCNV2 protein (p.Lys260Glu). This variant is present in population databases (rs139027297, gnomAD 0.009%). This variant has not been reported in the literature in individuals affected with KCNV2-related conditions. ClinVar contains an entry for this variant (Variation ID: 1364438). Invitae Evidence Modeling of protein sequence and biophysical properties (such as structural, functional, and spatial information, amino acid conservation, physicochemical variation, residue mobility, and thermodynamic stability) has been performed for this missense variant. However, the output from this modeling did not meet the statistical confidence thresholds required to predict the impact of this variant on KCNV2 protein function. In summary, the available evidence is currently insufficient to determine the role of this variant in disease. Therefore, it has been classified as a Variant of Uncertain Significance.

Blueprint Genetics
Classification: Uncertain significance. Last evaluated: 2021-05-07. Review status: criteria provided, single submitter. Criteria: ACMG Guidelines, 2015. Collection method: clinical testing. Allele origin: germline.

NM_133497.4(KCNV2):c.778A>G (p.Lys260Glu)

Gene: KCNV2 (potassium voltage-gated channel modifier subfamily V member 2; plus strand). Cytogenetic location: 9p24.2.
Variant type: single nucleotide variant.
Coding change: c.778A>G on transcript NM_133497.4 (MANE Select); coding-DNA position 778, A replaced by G.
Protein change: p.Lys260Glu; replaces lysine 260 with glutamic acid.
Molecular consequence: missense variant.
Genome position (GRCh38, 1-based): chr9:2,718,517, A>G. VCF-style: chr9-2718517-A-G. GRCh37 (hg19) VCF-style: chr9-2718517-A-G.
Other names: short protein forms K260E.
Identifiers: ClinVar variation 1364438 (VCV001364438.6), dbSNP rs139027297, ClinGen allele CA4965619.